The following is an entry in ClinVar:

NM_024537.4(CARS2):c.875T>C (p.Val292Ala)

Gene: CARS2 (cysteinyl-tRNA synthetase 2, mitochondrial; minus strand). Cytogenetic location: 13q34.
Variant type: single nucleotide variant.
Coding change: c.875T>C on transcript NM_024537.4 (MANE Select); coding-DNA position 875, T replaced by C.
Protein change: p.Val292Ala; replaces valine 292 with alanine.
Molecular consequence: missense variant. On other transcripts: non-coding transcript variant (2).
Genome position (GRCh38, 1-based): chr13:110,667,384, A>G on the plus strand (T>C on the coding strand, the complement: CARS2 is on the minus strand). VCF-style: chr13-110667384-A-G. GRCh37 (hg19) VCF-style: chr13-111319731-A-G.
Other names: c.89T>C, p.Val30Ala (NM_001352252.2); c.875T>C, p.Val292Ala (NM_001352253.3); short protein forms V292A, V30A.
Identifiers: ClinVar variation 1057472 (VCV001057472.8), dbSNP rs778341096, ClinGen allele CA256333444.

ClinVar aggregate classification (germline): Uncertain significance (1 of 4 stars; one submission).

Conditions:
Combined oxidative phosphorylation defect type 27. Also called: Combined oxidative phosphorylation deficiency 27. Identifiers: Orphanet 477774, MedGen C5567608, MONDO:0014728, OMIM 616672.

Allele frequency attached by ClinVar (database versions not stated): TOPMed 0.00002.
gnomAD v4.1: 1 of 1,613,780 alleles (0.000062%); highest among the groups gnomAD compares: Admixed American, 0.0017%; no homozygotes.

Submission:

Labcorp Genetics (formerly Invitae), Labcorp
Classification: Uncertain significance for Combined oxidative phosphorylation defect type 27. Last evaluated: 2025-02-10. Review status: criteria provided, single submitter. Criteria: Invitae Variant Classification Sherloc (09022015). Collection method: clinical testing. Allele origin: germline.
Comment: This sequence change replaces valine, which is neutral and non-polar, with alanine, which is neutral and non-polar, at codon 292 of the CARS2 protein (p.Val292Ala). This variant is present in population databases (no rsID available, gnomAD 0.003%). This variant has not been reported in the literature in individuals affected with CARS2-related conditions. ClinVar contains an entry for this variant (Variation ID: 1057472). Invitae Evidence Modeling of protein sequence and biophysical properties (such as structural, functional, and spatial information, amino acid conservation, physicochemical variation, residue mobility, and thermodynamic stability) indicates that this missense variant is not expected to disrupt CARS2 protein function with a negative predictive value of 80%. In summary, the available evidence is currently insufficient to determine the role of this variant in disease. Therefore, it has been classified as a Variant of Uncertain Significance.